The following is an entry in ClinVar:

NM_000535.7(PMS2):c.667A>G (p.Ile223Val)

Gene: PMS2 (PMS1 homolog 2, mismatch repair system component; minus strand). Cytogenetic location: 7p22.1.
Variant type: single nucleotide variant.
Coding change: c.667A>G on transcript NM_000535.7 (MANE Select); coding-DNA position 667, A replaced by G.
Protein change: p.Ile223Val; replaces isoleucine 223 with valine.
Molecular consequence: missense variant. On other transcripts: 5 prime UTR variant (2), non-coding transcript variant (1), intron variant (1).
Genome position (GRCh38, 1-based): chr7:5,999,146, T>C on the plus strand (A>G on the coding strand, the complement: PMS2 is on the minus strand). VCF-style: chr7-5999146-T-C. GRCh37 (hg19) VCF-style: chr7-6038777-T-C.
Other names: c.262A>G, p.Ile88Val (NM_001322003.2, NM_001322004.2, NM_001322005.2 and 2 more transcripts); c.667A>G, p.Ile223Val (NM_001322006.2, NM_001322014.2); c.349A>G, p.Ile117Val (NM_001322007.2, NM_001322008.2); c.-267A>G (NM_001322011.2, NM_001322012.2); c.358A>G, p.Ile120Val (NM_001322015.2); c.133-1723A>G (NM_001322013.2); short protein forms I223V, I117V, I120V, I88V.
Identifiers: ClinVar variation 232911 (VCV000232911.28), dbSNP rs876660067, ClinGen allele CA10578701.
Genomic context (GRCh38, chr7:5,999,146, plus strand): 5'-TGAAGTAACCGGCCATCACTACCTGCTTCTGCCCAAACACAGAGCCGATATTTTCCTTTA[T>C]GCTGGGGCTTCCACCTGTGCATACCACAGGCTGTCGTTTTCCTTGTCCAAGCTGATTGGT-3'
Protein context (NP_000526.2, residues 213-233): PVVCTGGSPS[Ile223Val]KENIGSVFGQ

ClinVar aggregate classification (germline): Uncertain significance. Review status: criteria provided, multiple submitters, no conflicts (2 of 4 stars). 8 submissions from 8 submitters: Uncertain significance (8). Last evaluated 2026-02-11.

Conditions:
Hereditary cancer-predisposing syndrome. Also called: Neoplastic Syndromes, Hereditary; Hereditary Cancer Syndrome; Tumor predisposition; Hereditary neoplastic syndrome. Identifiers: Orphanet 140162, MedGen C0027672, MeSH D009386, MONDO:0015356.
Lynch syndrome. Identifiers: Orphanet 144, MedGen C4552100, MONDO:0005835. Disease mechanism: loss of function.
Lynch syndrome 4 (LYNCH4). Also called: Hereditary non-polyposis colorectal cancer, type 4; Colorectal cancer, hereditary nonpolyposis, type 4. Identifiers: Orphanet 144, MedGen C1838333, MONDO:0013699, OMIM 614337. Disease mechanism: loss of function.
Hereditary nonpolyposis colorectal neoplasms. Identifiers: MedGen C0009405, MeSH D003123.

Allele frequency attached by ClinVar (database versions not stated): gnomAD 0.00001; gnomAD exomes 0.00001.

Submissions (8):

St. Jude Molecular Pathology, St. Jude Children's Research Hospital
Classification: Uncertain significance for Lynch syndrome 4. Last evaluated: 2026-02-11. Review status: criteria provided, single submitter. Criteria: St. Jude Assertion Criteria 2020. Collection method: clinical testing. Allele origin: germline.
Comment: The PMS2 c.667A>G p.(Ile223Val) missense change is absent in gnomAD v2.1.1. In silico tools predict a benign effect on protein function, but to our knowledge this prediction has not been confirmed by functional studies. To our knowledge, this variant has not been reported in individuals with Lynch syndrome or constitutional mismatch repair deficiency. In summary, the evidence currently available is insufficient to determine the clinical significance of this variant. It has therefore been classified as of uncertain significance.

Color Diagnostics, LLC DBA Color Health
Classification: Uncertain significance for Hereditary cancer-predisposing syndrome. Last evaluated: 2025-08-24. Review status: criteria provided, single submitter. Criteria: ACMG Guidelines, 2015. Collection method: clinical testing. Allele origin: germline.
Comment: This missense variant replaces isoleucine with valine at codon 223 of the PMS2 protein. Computational prediction suggests that this variant may not impact protein structure and function. To our knowledge, functional studies have not been reported for this variant. This variant has not been reported in individuals affected with PMS2-related disorders in the literature. This variant has not been identified in the general population by the Genome Aggregation Database (gnomAD). The available evidence is insufficient to determine the role of this variant in disease conclusively. Therefore, this variant is classified as a Variant of Uncertain Significance.

Labcorp Genetics (formerly Invitae), Labcorp
Classification: Uncertain significance for Hereditary nonpolyposis colorectal neoplasms. Last evaluated: 2025-03-05. Review status: criteria provided, single submitter. Criteria: Invitae Variant Classification Sherloc (09022015). Collection method: clinical testing. Allele origin: germline.
Comment: This sequence change replaces isoleucine, which is neutral and non-polar, with valine, which is neutral and non-polar, at codon 223 of the PMS2 protein (p.Ile223Val). This variant is not present in population databases (gnomAD no frequency). This variant has not been reported in the literature in individuals affected with PMS2-related conditions. ClinVar contains an entry for this variant (Variation ID: 232911). Invitae Evidence Modeling incorporating data from in vitro experimental studies (internal data) indicates that this missense variant is not expected to disrupt PMS2 function with a negative predictive value of 95%. In summary, the available evidence is currently insufficient to determine the role of this variant in disease. Therefore, it has been classified as a Variant of Uncertain Significance.

Center for Genomic Medicine, Rigshospitalet, Copenhagen University Hospital
Classification: Uncertain significance. Last evaluated: 2025-03-04. Review status: criteria provided, single submitter. Criteria: ACMG Guidelines, 2015. Collection method: clinical testing. Allele origin: germline.

Ambry Genetics
Classification: Uncertain significance for Hereditary cancer-predisposing syndrome. Last evaluated: 2025-02-02. Review status: criteria provided, single submitter. Criteria: Ambry Variant Classification Scheme 2023. Collection method: clinical testing. Allele origin: germline.
Comment: The p.I223V variant (also known as c.667A>G), located in coding exon 6 of the PMS2 gene, results from an A to G substitution at nucleotide position 667. The isoleucine at codon 223 is replaced by valine, an amino acid with highly similar properties. This amino acid position is not well conserved in available vertebrate species. In addition, this alteration is predicted to be tolerated by in silico analysis. Since supporting evidence is limited at this time, the clinical significance of this alteration remains unclear.

Blueprint Genetics
Classification: Uncertain significance. Last evaluated: 2024-09-17. Review status: criteria provided, single submitter. Criteria: ACMG Guidelines, 2015. Collection method: clinical testing. Allele origin: germline.

Baylor Genetics
Classification: Uncertain significance for Lynch syndrome 4. Last evaluated: 2023-10-16. Review status: criteria provided, single submitter. Criteria: ACMG Guidelines, 2015. Collection method: clinical testing. Allele origin: unknown.

All of Us Research Program, National Institutes of Health
Classification: Uncertain significance for Lynch syndrome. Last evaluated: 2023-08-15. Review status: criteria provided, single submitter. Criteria: ACMG Guidelines, 2015. Collection method: clinical testing. Allele origin: germline. Inheritance: Autosomal dominant inheritance. Observed: 1 variant allele, 1 heterozygote.
Comment: This missense variant replaces isoleucine with valine at codon 223 of the PMS2 protein. Computational prediction suggests that this variant may not impact protein structure and function (internally defined REVEL score threshold <= 0.5, PMID: 27666373). To our knowledge, functional studies have not been reported for this variant. This variant has not been reported in individuals affected with PMS2-related disorders in the literature. This variant has not been identified in the general population by the Genome Aggregation Database (gnomAD). The available evidence is insufficient to determine the role of this variant in disease conclusively. Therefore, this variant is classified as a Variant of Uncertain Significance.

This study involves interpretation of variants in research participants for the purpose of population health screening. Participant phenotype was not available at the time of variant classification. Additional details can be found in publication PMID: 35346344, PMCID: PMC8962531